The following is an entry in ClinVar:

ClinVar aggregate classification (germline): Benign. Review status: criteria provided, multiple submitters, no conflicts (2 of 4 stars). 6 submissions from 6 submitters: Benign (6). Last evaluated 2026-02-03.

Conditions:
Hereditary sensory and autonomic neuropathy with spastic paraplegia (HSNSP). Identifiers: Orphanet 139578, MedGen C1850395, MONDO:0009748, OMIM 256840.

Allele frequency attached by ClinVar (database versions not stated): TOPMed 0.01408; gnomAD 0.01601; ESP Exome Variant Server 0.01607; 1000 Genomes Project 30x 0.01702; 1000 Genomes Project 0.01737; gnomAD exomes 0.02284; ExAC 0.02400.
gnomAD v4.1: 35,320 of 1,614,140 alleles (2.2%); highest among the groups gnomAD compares: South Asian, 4.7%; 469 homozygotes.

Submissions (6):

Labcorp Genetics (formerly Invitae), Labcorp
Classification: Benign for Hereditary sensory and autonomic neuropathy with spastic paraplegia. Last evaluated: 2026-02-03. Review status: criteria provided, single submitter. Criteria: Invitae Variant Classification Sherloc (09022015). Collection method: clinical testing. Allele origin: germline.

ARUP Laboratories, Molecular Genetics and Genomics, ARUP Laboratories
Classification: Benign for Hereditary sensory and autonomic neuropathy with spastic paraplegia. Last evaluated: 2025-07-09. Review status: criteria provided, single submitter. Criteria: ARUP Molecular Germline Variant Investigation Process 2024. Collection method: clinical testing. Allele origin: germline.

Illumina Laboratory Services, Illumina
Classification: Benign for Hereditary sensory and autonomic neuropathy with spastic paraplegia. Last evaluated: 2018-01-13. Review status: criteria provided, single submitter. Criteria: ICSL Variant Classification Criteria 13 December 2019. Collection method: clinical testing. Allele origin: germline.
Comment: This variant was observed in the ICSL laboratory as part of a predisposition screen in an ostensibly healthy population. It had not been previously curated by ICSL or reported in the Human Gene Mutation Database (HGMD: prior to June 1st, 2018), and was therefore a candidate for classification through an automated scoring system. Utilizing variant allele frequency, disease prevalence and penetrance estimates, and inheritance mode, an automated score was calculated to assess if this variant is too frequent to cause the disease. Based on the score and internal cut-off values, a variant classified as benign is not then subjected to further curation. The score for this variant resulted in a classification of benign for this disease.

Mayo Clinic Laboratories, Mayo Clinic
Classification: Benign. Last evaluated: 2016-06-09. Review status: criteria provided, single submitter. Criteria: ACMG Guidelines, 2015. Collection method: clinical testing. Allele origin: germline. Observed: 28 variant alleles.

GeneDx
Classification: Benign. Last evaluated: 2015-03-03. Review status: criteria provided, single submitter. Criteria: GeneDx Variant Classification Process June 2021. Collection method: clinical testing. Allele origin: germline. Affected: yes.

Breakthrough Genomics
Classification: Benign. Review status: criteria provided, single submitter. Criteria: ACMG Guidelines, 2015. Collection method: not provided. Allele origin: germline. Inheritance: Autosomal recessive inheritance. Affected: yes.

NM_012073.5(CCT5):c.437A>T (p.Glu146Val)

Gene: CCT5 (chaperonin containing TCP1 subunit 5; plus strand). Cytogenetic location: 5p15.2.
Variant type: single nucleotide variant.
Coding change: c.437A>T on transcript NM_012073.5 (MANE Select); coding-DNA position 437, A replaced by T.
Protein change: p.Glu146Val; replaces glutamic acid 146 with valine.
Molecular consequence: missense variant.
Genome position (GRCh38, 1-based): chr5:10,256,060, A>T. VCF-style: chr5-10256060-A-T. GRCh37 (hg19) VCF-style: chr5-10256172-A-T.
Other names: c.374A>T, p.Glu125Val (NM_001306153.1); c.272A>T, p.Glu91Val (NM_001306154.2); c.158A>T, p.Glu53Val (NM_001306155.2); c.323A>T, p.Glu108Val (NM_001306156.2); c.437A>T (NM_012073.4); short protein forms E146V, E125V, E53V, E91V, E108V.
Identifiers: ClinVar variation 240840 (VCV000240840.30), dbSNP rs11557652, ClinGen allele CA3198076.
Genomic context (GRCh38, chr5:10,256,060, plus strand): 5'-GAGGCATTCACCCAATCAGAATAGCCGATGGCTATGAGCAGGCTGCTCGTGTTGCTATTG[A>T]ACACCTGGACAAGATCAGCGATAGCGTCCTTGTTGACATAAAGGACACCGAACCCCTGAT-3'
Protein context (NP_036205.1, residues 136-156): GYEQAARVAI[Glu146Val]HLDKISDSVL